The following is an entry in ClinVar:

NM_001365999.1(SZT2):c.7498G>A (p.Ala2500Thr)

Gene: SZT2 (SZT2 subunit of KICSTOR complex; plus strand). Cytogenetic location: 1p34.2.
Variant type: single nucleotide variant.
Coding change: c.7498G>A on transcript NM_001365999.1 (MANE Select); coding-DNA position 7498, G replaced by A.
Protein change: p.Ala2500Thr; replaces alanine 2500 with threonine.
Molecular consequence: missense variant.
Genome position (GRCh38, 1-based): chr1:43,441,367, G>A. VCF-style: chr1-43441367-G-A. GRCh37 (hg19) VCF-style: chr1-43907038-G-A.
Other names: c.7327G>A, p.Ala2443Thr (NM_015284.4); short protein forms A2443T, A2500T.
Identifiers: ClinVar variation 834597 (VCV000834597.9), dbSNP rs905112099, ClinGen allele CA21646260.

ClinVar aggregate classification (germline): Uncertain significance (1 of 4 stars; one submission).

gnomAD v4.1: 1 of 1,614,148 alleles (0.000062%); highest among the groups gnomAD compares: Middle Eastern, 0.016%; no homozygotes.

Submission:

Labcorp Genetics (formerly Invitae), Labcorp
Classification: Uncertain significance. Last evaluated: 2019-11-18. Review status: criteria provided, single submitter. Criteria: Invitae Variant Classification Sherloc (09022015). Collection method: clinical testing. Allele origin: germline.
Comment: In summary, the available evidence is currently insufficient to determine the role of this variant in disease. Therefore, it has been classified as a Variant of Uncertain Significance. Algorithms developed to predict the effect of missense changes on protein structure and function output the following: SIFT: "Tolerated"; PolyPhen-2: "Benign"; Align-GVGD: "Class C0". The threonine amino acid residue is found in multiple mammalian species, suggesting that this missense change does not adversely affect protein function. These predictions have not been confirmed by published functional studies and their clinical significance is uncertain. This variant has not been reported in the literature in individuals with SZT2-related conditions. This variant is not present in population databases (ExAC no frequency). This sequence change replaces alanine with threonine at codon 2443 of the SZT2 protein (p.Ala2443Thr). The alanine residue is highly conserved and there is a small physicochemical difference between alanine and threonine.